The following is an entry in ClinVar:

NC_000019.9:g.(?_39058393)_(39061353_?)del

Gene: RYR1 (ryanodine receptor 1; plus strand). Cytogenetic location: 19q13.2.
Variant type: Deletion.
Identifiers: ClinVar variation 3242619 (VCV003242619.1).

ClinVar aggregate classification (germline): Pathogenic (1 of 4 stars; one submission).

Conditions:
RYR1-related disorder. Also called: RYR1-related disorders; RYR1-related condition. Identifiers: MedGen CN239331.

Submission:

Labcorp Genetics (formerly Invitae), Labcorp
Classification: Pathogenic for RYR1-related disorder. Last evaluated: 2023-10-30. Review status: criteria provided, single submitter. Criteria: Invitae Variant Classification Sherloc (09022015). Collection method: clinical testing. Allele origin: unknown.
Comment: This variant is a gross deletion of the genomic region encompassing exon(s) 93-94 of the RYR1 gene. This deletion is out-of-frame, and is expected to create a premature termination codon and result in an absent or disrupted protein product. Loss-of-function variants in RYR1 are known to be pathogenic (PMID: 23919265, 25960145, 28818389, 30611313). This variant has not been reported in the literature in individuals affected with RYR1-related conditions. Experimental studies and prediction algorithms are not available or were not evaluated, and the functional significance of this variant is currently unknown. For these reasons, this variant has been classified as Pathogenic.

Literature cited by the submitters: PubMed 23919265; PubMed 25960145; PubMed 28818389; PubMed 30611313.